The following is an entry in ClinVar:

NM_000238.4(KCNH2):c.917-5C>T

Gene: KCNH2 (potassium voltage-gated channel subfamily H member 2; minus strand). Cytogenetic location: 7q36.1.
Variant type: single nucleotide variant.
Coding change: c.917-5C>T on transcript NM_000238.4 (MANE Select); 5 bases into the intron before coding-DNA position 917, C replaced by T.
Molecular consequence: intron variant.
Genome position (GRCh38, 1-based): chr7:150,957,507, G>A on the plus strand (C>T on the coding strand, the complement: KCNH2 is on the minus strand). VCF-style: chr7-150957507-G-A. GRCh37 (hg19) VCF-style: chr7-150654595-G-A.
Other names: c.629-5C>T (NM_001406753.1, NM_001406756.1); c.917-5C>T (NM_172056.3, NM_000238.3); c.740-5C>T (NM_001406755.1); c.617-5C>T (NM_001406757.1).
Identifiers: ClinVar variation 1624973 (VCV001624973.11), dbSNP rs1563168459, ClinGen allele CA1752417040.

ClinVar aggregate classification (germline): Conflicting classifications of pathogenicity. Review status: criteria provided, conflicting classifications (1 of 4 stars). 3 submissions from 3 submitters: Uncertain significance (1); Likely benign (2). Last evaluated 2025-02-07.

Conditions:
Cardiovascular phenotype. Identifiers: MedGen CN230736.
Long QT syndrome (LQTS). Identifiers: MedGen C0023976, MeSH D008133, MONDO:0002442. Disease mechanism: loss of function. Inheritance: Various modes of inheritance.

Submissions (3):

Ambry Genetics
Classification: Uncertain significance for Cardiovascular phenotype. Last evaluated: 2025-02-07. Review status: criteria provided, single submitter. Criteria: Ambry Variant Classification Scheme 2023. Collection method: clinical testing. Allele origin: germline.
Comment: The c.917-5C>T intronic variant results from a C to T substitution 5 nucleotides upstream from coding exon 5 in the KCNH2 gene. This nucleotide position is not well conserved in available vertebrate species. In silico splice site analysis predicts that this alteration will not have any significant effect on splicing. Based on the available evidence, the clinical significance of this variant remains unclear.

All of Us Research Program, National Institutes of Health
Classification: Likely benign for Long QT syndrome. Last evaluated: 2024-01-08. Review status: criteria provided, single submitter. Criteria: ACMG Guidelines, 2015. Collection method: clinical testing. Allele origin: germline. Inheritance: Autosomal dominant inheritance. Observed: 1 variant allele, 1 heterozygote.
Comment: This study involves interpretation of variants in research participants for the purpose of population health screening. Participant phenotype was not available at the time of variant classification. Additional details can be found in publication PMID: 35346344, PMCID: PMC8962531

Labcorp Genetics (formerly Invitae), Labcorp
Classification: Likely benign for Long QT syndrome. Last evaluated: 2022-05-03. Review status: criteria provided, single submitter. Criteria: Invitae Variant Classification Sherloc (09022015). Collection method: clinical testing. Allele origin: germline.